The following is an entry in ClinVar:

NM_003327.4(TNFRSF4):c.370+17C>T

Gene: TNFRSF4 (TNF receptor superfamily member 4; minus strand). Cytogenetic location: 1p36.33.
Variant type: single nucleotide variant.
Coding change: c.370+17C>T on transcript NM_003327.4 (MANE Select); 17 bases into the intron after coding-DNA position 370, C replaced by T.
Molecular consequence: intron variant.
Genome position (GRCh38, 1-based): chr1:1,212,975, G>A on the plus strand (C>T on the coding strand, the complement: TNFRSF4 is on the minus strand). VCF-style: chr1-1212975-G-A. GRCh37 (hg19) VCF-style: chr1-1148355-G-A.
Identifiers: ClinVar variation 1663772 (VCV001663772.9), dbSNP rs369074008, ClinGen allele CA512514.

ClinVar aggregate classification (germline): Benign. Review status: criteria provided, multiple submitters, no conflicts (2 of 4 stars). 2 submissions from 2 submitters: Benign (2). Last evaluated 2026-04-01.

Conditions:
Combined immunodeficiency due to OX40 deficiency. Also called: OX40 DEFICIENCY; Immunodeficiency 16. Identifiers: Orphanet 431149, MedGen C3810053, MONDO:0014268, OMIM 615593.

Allele frequency attached by ClinVar (database versions not stated): gnomAD 0.00018 and 0.00023; ESP Exome Variant Server 0.00039; ExAC 0.00076.

Submissions (2):

Women's Health and Genetics/Laboratory Corporation of America, LabCorp
Classification: Benign. Last evaluated: 2026-04-01. Review status: criteria provided, single submitter. Criteria: LabCorp Variant Classification Summary - May 2015. Collection method: clinical testing. Allele origin: germline.
Comment: Variant summary: TNFRSF4 c.370+17C>T alters a non-conserved nucleotide located at a position not widely known to affect splicing. Consensus agreement among computation tools predict no significant impact on normal splicing. However, these predictions have yet to be confirmed by functional studies. The variant allele was found at a frequency of 0.00062 in 228250 control chromosomes, predominantly at a frequency of 0.0039 within the South Asian subpopulation in the gnomAD database, including 6 homozygotes. The observed variant frequency within South Asian control individuals in the gnomAD database exceeds the estimated maximal expected allele frequency for disease-causing variants in TNFRSF4. To our knowledge, no occurrence of c.370+17C>T in individuals affected with TNFRSF4-related conditions and no experimental evidence demonstrating its impact on protein function have been reported. ClinVar contains an entry for this variant (Variation ID: 1663772). Based on the evidence outlined above, the variant was classified as benign.

Labcorp Genetics (formerly Invitae), Labcorp
Classification: Benign for Combined immunodeficiency due to OX40 deficiency. Last evaluated: 2026-01-24. Review status: criteria provided, single submitter. Criteria: Invitae Variant Classification Sherloc (09022015). Collection method: clinical testing. Allele origin: germline.